The following is an entry in ClinVar:

ClinVar aggregate classification (germline): Uncertain significance (1 of 4 stars; one submission).

Conditions:
T-B+ severe combined immunodeficiency due to JAK3 deficiency. Also called: SCID, autosomal recessive, T-negative/B-positive type; SCID, T CELL-NEGATIVE, B CELL-POSITIVE, NK CELL-NEGATIVE. Identifiers: Orphanet 35078, MedGen C1833275, MONDO:0010938, OMIM 600802.

Allele frequency attached by ClinVar (database versions not stated): gnomAD exomes below 0.00001 and 0.00001; TOPMed below 0.00001.

Submission:

Labcorp Genetics (formerly Invitae), Labcorp
Classification: Uncertain significance for T-B+ severe combined immunodeficiency due to JAK3 deficiency. Last evaluated: 2021-11-05. Review status: criteria provided, single submitter. Criteria: Invitae Variant Classification Sherloc (09022015). Collection method: clinical testing. Allele origin: germline.
Comment: This sequence change replaces valine, which is neutral and non-polar, with alanine, which is neutral and non-polar, at codon 722 of the JAK3 protein (p.Val722Ala). This variant is present in population databases (no rsID available, gnomAD 0.0009%). This variant has not been reported in the literature in individuals affected with JAK3-related conditions. ClinVar contains an entry for this variant (Variation ID: 965790). Advanced modeling of protein sequence and biophysical properties (such as structural, functional, and spatial information, amino acid conservation, physicochemical variation, residue mobility, and thermodynamic stability) performed at Invitae indicates that this missense variant is not expected to disrupt JAK3 protein function. In summary, the available evidence is currently insufficient to determine the role of this variant in disease. Therefore, it has been classified as a Variant of Uncertain Significance.

NM_000215.4(JAK3):c.2165T>C (p.Val722Ala)

Gene: JAK3 (Janus kinase 3; minus strand). Cytogenetic location: 19p13.11.
Variant type: single nucleotide variant.
Coding change: c.2165T>C on transcript NM_000215.4 (MANE Select); coding-DNA position 2165, T replaced by C.
Protein change: p.Val722Ala; replaces valine 722 with alanine.
Molecular consequence: missense variant.
Genome position (GRCh38, 1-based): chr19:17,834,886, A>G on the plus strand (T>C on the coding strand, the complement: JAK3 is on the minus strand). VCF-style: chr19-17834886-A-G. GRCh37 (hg19) VCF-style: chr19-17945695-A-G.
Other names: short protein forms V722A.
Identifiers: ClinVar variation 965790 (VCV000965790.5), dbSNP rs1322146058, ClinGen allele CA404767655.